The following is an entry in ClinVar:

NM_002907.4(RECQL):c.1304T>A (p.Val435Glu)

Gene: RECQL (RecQ like helicase; minus strand). Cytogenetic location: 12p12.1.
Variant type: single nucleotide variant.
Coding change: c.1304T>A on transcript NM_002907.4 (MANE Select); coding-DNA position 1304, T replaced by A.
Protein change: p.Val435Glu; replaces valine 435 with glutamic acid.
Molecular consequence: missense variant.
Genome position (GRCh38, 1-based): chr12:21,474,892, A>T on the plus strand (T>A on the coding strand, the complement: RECQL is on the minus strand). VCF-style: chr12-21474892-A-T. GRCh37 (hg19) VCF-style: chr12-21627826-A-T.
Other names: c.1304T>A, p.Val435Glu (NM_032941.3); short protein forms V435E.
Identifiers: ClinVar variation 2565587 (VCV002565587.2), dbSNP rs1414386084, ClinGen allele CA384118382.
Genomic context (GRCh38, chr12:21,474,892, plus strand): 5'-GTGGCTTACTTGCTTATGTTTTGACAGTATGATACCATCTCATAAAGCTTCTGCTGTCCC[A>T]CATTTTCCATCACCACCATTGAACTTATTCTGAATATATCTCCAAAGCCGTAGTACAAAA-3'
Protein context (NP_002898.2, residues 425-445): RISSMVVMEN[Val435Glu]GQQKLYEMVS

ClinVar aggregate classification (germline): Uncertain significance (1 of 4 stars; one submission).

Allele frequency attached by ClinVar (database versions not stated): TOPMed below 0.00001.

Submission:

Ambry Genetics
Classification: Uncertain significance. Last evaluated: 2023-05-25. Review status: criteria provided, single submitter. Criteria: Ambry Variant Classification Scheme 2023. Collection method: clinical testing. Allele origin: germline.
Comment: The p.V435E variant (also known as c.1304T>A), located in coding exon 10 of the RECQL gene, results from a T to A substitution at nucleotide position 1304. The valine at codon 435 is replaced by glutamic acid, an amino acid with dissimilar properties. This amino acid position is conserved. In addition, the in silico prediction for this alteration is inconclusive. Since supporting evidence is limited at this time, the clinical significance of this alteration remains unclear.